The following is an entry in ClinVar:

ClinVar aggregate classification (germline): Uncertain significance (1 of 4 stars; one submission).

Conditions:
Spondylocarpotarsal synostosis syndrome (SCT). Also called: SPONDYLOCARPOTARSAL SYNDROME; VERTEBRAL FUSION WITH CARPAL COALITION; Spondylocarpotarsal Synostosis Syndrome (FLNB-SCT); Synspondylism congenital; Scoliosis, congenital with unilateral unsegmented bar. Identifiers: Orphanet 3275, MedGen C1848934, MONDO:0010094, OMIM 272460.
Boomerang dysplasia. Identifiers: Orphanet 1263, MedGen C0432201, MONDO:0007208, OMIM 112310.
Atelosteogenesis type I. Also called: SPONDYLOHUMEROFEMORAL HYPOPLASIA; GIANT CELL CHONDRODYSPLASIA; Atelosteogenesis Type 1 (FLNB-AO1). Identifiers: Orphanet 1190, MedGen C0265283, MONDO:0007167, OMIM 108720.
Atelosteogenesis type III. Also called: Atelosteogenesis Type 3 (FLNB-AO3). Identifiers: Orphanet 56305, MedGen C3668942, MONDO:0007168, OMIM 108721.
Larsen syndrome (LRS). Also called: Larsen syndrome (FLNB-LS); Bilateral dislocation of the knees, pes cavus, cylindrically shaped fingers and characteristic facies. Identifiers: Orphanet 503, MedGen C0175778, MONDO:0007875, OMIM 150250. Disease mechanism: loss of function.

Submission:

Juno Genomics, Hangzhou Juno Genomics, Inc
Classification: Uncertain significance for Spondylocarpotarsal synostosis syndrome; Atelosteogenesis type I; Atelosteogenesis type III; Boomerang dysplasia; Larsen syndrome. Review status: criteria provided, single submitter. Criteria: ACMG Guidelines, 2015. Collection method: clinical testing. Allele origin: germline.
Comment: Absent from controls (or at extremely low frequency if recessive) in Genome Aggregation Database.;Multiple lines of computational evidence support a deleterious effect on the gene or gene product.

NM_001457.4(FLNB):c.6245-27T>A

Gene: FLNB (filamin B; plus strand). Cytogenetic location: 3p14.3.
Variant type: single nucleotide variant.
Coding change: c.6245-27T>A on transcript NM_001457.4 (MANE Select); 27 bases into the intron before coding-DNA position 6245, T replaced by A.
Molecular consequence: intron variant.
Genome position (GRCh38, 1-based): chr3:58,150,078, T>A. VCF-style: chr3-58150078-T-A. GRCh37 (hg19) VCF-style: chr3-58135805-T-A.
Other names: c.6338-27T>A (NM_001164317.2); c.6212-27T>A (NM_001164318.2); c.6173-27T>A (NM_001164319.2).
Identifiers: ClinVar variation 5006688 (VCV005006688.2).